The following is an entry in ClinVar:

ClinVar aggregate classification (germline): Uncertain significance (1 of 4 stars; one submission).

Conditions:
RASopathy. Also called: rasopathies; Noonan spectrum disorder. Identifiers: Orphanet 536391, MedGen C5555857, MONDO:0021060.

Submission:

Labcorp Genetics (formerly Invitae), Labcorp
Classification: Uncertain significance for RASopathy. Last evaluated: 2023-08-11. Review status: criteria provided, single submitter. Criteria: Invitae Variant Classification Sherloc (09022015). Collection method: clinical testing. Allele origin: germline.
Comment: This variant is not present in population databases (gnomAD no frequency). This variant has not been reported in the literature in individuals affected with SOS1-related conditions. Advanced modeling of protein sequence and biophysical properties (such as structural, functional, and spatial information, amino acid conservation, physicochemical variation, residue mobility, and thermodynamic stability) performed at Invitae indicates that this missense variant is not expected to disrupt SOS1 protein function. In summary, the available evidence is currently insufficient to determine the role of this variant in disease. Therefore, it has been classified as a Variant of Uncertain Significance. This sequence change replaces proline, which is neutral and non-polar, with alanine, which is neutral and non-polar, at codon 1259 of the SOS1 protein (p.Pro1259Ala).

NM_005633.4(SOS1):c.3775C>G (p.Pro1259Ala)

Gene: SOS1 (SOS Ras/Rac guanine nucleotide exchange factor 1; minus strand). Cytogenetic location: 2p22.1.
Variant type: single nucleotide variant.
Coding change: c.3775C>G on transcript NM_005633.4 (MANE Select); coding-DNA position 3775, C replaced by G.
Protein change: p.Pro1259Ala; replaces proline 1259 with alanine.
Molecular consequence: missense variant.
Genome position (GRCh38, 1-based): chr2:38,986,051, G>C on the plus strand (C>G on the coding strand, the complement: SOS1 is on the minus strand). VCF-style: chr2-38986051-G-C. GRCh37 (hg19) VCF-style: chr2-39213192-G-C.
Other names: c.3754C>G, p.Pro1252Ala (NM_001382394.1); c.3730C>G, p.Pro1244Ala (NM_001382395.1); short protein forms P1252A, P1244A, P1259A.
Identifiers: ClinVar variation 2751921 (VCV002751921.3), dbSNP rs2528870681, ClinGen allele CA346362342.
Genomic context (GRCh38, chr2:38,986,051, plus strand): 5'-TCAATGGTGGTGATGGCAGATGCCTTCTTGTGCCGTGAGGAGAAGGTGTTTGAGGAGGAG[G>C]TGGTGTAAAGGGGGAAGGGCTGTTTGGGAAGAAGGCATTGCCATGGTCACTTTTTTTGCC-3'
Protein context (NP_005624.2, residues 1249-1269): FPNSPSPFTP[Pro1259Ala]PPQTPSPHGT